The following is an entry in ClinVar:

ClinVar aggregate classification (germline): Uncertain significance (1 of 4 stars; one submission).

Allele frequency attached by ClinVar (database versions not stated): gnomAD exomes below 0.00001.
gnomAD v4.1: 1 of 1,613,430 alleles (0.000062%); highest among the groups gnomAD compares: Non-Finnish European, 0.000085%; no homozygotes.

Submission:

Ambry Genetics
Classification: Uncertain significance. Last evaluated: 2023-05-31. Review status: criteria provided, single submitter. Criteria: Ambry Variant Classification Scheme 2023. Collection method: clinical testing. Allele origin: germline.
Comment: The p.A672T variant (also known as c.2014G>A), located in coding exon 4 of the ALPK2 gene, results from a G to A substitution at nucleotide position 2014. The alanine at codon 672 is replaced by threonine, an amino acid with similar properties. This amino acid position is conserved. In addition, this alteration is predicted to be tolerated by in silico analysis. Since supporting evidence is limited at this time, the clinical significance of this alteration remains unclear.

NM_052947.4(ALPK2):c.2014G>A (p.Ala672Thr)

Gene: ALPK2 (alpha kinase 2; minus strand). Cytogenetic location: 18q21.31.
Variant type: single nucleotide variant.
Coding change: c.2014G>A on transcript NM_052947.4 (MANE Select); coding-DNA position 2014, G replaced by A.
Protein change: p.Ala672Thr; replaces alanine 672 with threonine.
Molecular consequence: missense variant.
Genome position (GRCh38, 1-based): chr18:58,538,173, C>T on the plus strand (G>A on the coding strand, the complement: ALPK2 is on the minus strand). VCF-style: chr18-58538173-C-T. GRCh37 (hg19) VCF-style: chr18-56205405-C-T.
Other names: short protein forms A672T.
Identifiers: ClinVar variation 2564100 (VCV002564100.2), dbSNP rs2518878248, ClinGen allele CA402571892.